The following is an entry in ClinVar:

NM_000018.4(ACADVL):c.1097G>T (p.Arg366Leu)

Gene: ACADVL (acyl-CoA dehydrogenase very long chain; plus strand). Cytogenetic location: 17p13.1.
Variant type: single nucleotide variant.
Coding change: c.1097G>T on transcript NM_000018.4 (MANE Select); coding-DNA position 1097, G replaced by T.
Protein change: p.Arg366Leu; replaces arginine 366 with leucine.
Molecular consequence: missense variant.
Genome position (GRCh38, 1-based): chr17:7,223,152, G>T. VCF-style: chr17-7223152-G-T. GRCh37 (hg19) VCF-style: chr17-7126471-G-T.
Other names: c.1031G>T, p.Arg344Leu (NM_001033859.3); c.1166G>T, p.Arg389Leu (NM_001270447.2); c.869G>T, p.Arg290Leu (NM_001270448.2); short protein forms R366L, R344L, R389L, R290L.
Identifiers: ClinVar variation 2735910 (VCV002735910.3), dbSNP rs112406105, ClinGen allele CA397724349.

ClinVar aggregate classification (germline): Likely pathogenic (1 of 4 stars; one submission).

Conditions:
Very long chain acyl-CoA dehydrogenase deficiency (ACADVLD). Also called: Very Long-Chain Acyl-Coenzyme A Dehydrogenase Deficiency; VLCAD Deficiency. Identifiers: Orphanet 26793, MedGen C3887523, MONDO:0008723, OMIM 201475.

Submission:

Labcorp Genetics (formerly Invitae), Labcorp
Classification: Likely pathogenic for Very long chain acyl-CoA dehydrogenase deficiency. Last evaluated: 2023-12-15. Review status: criteria provided, single submitter. Criteria: Invitae Variant Classification Sherloc (09022015). Collection method: clinical testing. Allele origin: germline.
Comment: This sequence change replaces arginine, which is basic and polar, with leucine, which is neutral and non-polar, at codon 366 of the ACADVL protein (p.Arg366Leu). This variant is not present in population databases (gnomAD no frequency). This variant has not been reported in the literature in individuals affected with ACADVL-related conditions. Advanced modeling of protein sequence and biophysical properties (such as structural, functional, and spatial information, amino acid conservation, physicochemical variation, residue mobility, and thermodynamic stability) performed at Invitae indicates that this missense variant is expected to disrupt ACADVL protein function with a positive predictive value of 95%. This variant disrupts the p.Arg366 amino acid residue in ACADVL. Other variant(s) that disrupt this residue have been determined to be pathogenic (PMID: 20060901, 24263034, 27246109). This suggests that this residue is clinically significant, and that variants that disrupt this residue are likely to be disease-causing. In summary, the currently available evidence indicates that the variant is pathogenic, but additional data are needed to prove that conclusively. Therefore, this variant has been classified as Likely Pathogenic.

Literature cited by the submitters: PubMed 20060901; PubMed 24263034; PubMed 27246109.